The following is an entry in ClinVar:

ClinVar aggregate classification (germline): Uncertain significance. Review status: criteria provided, multiple submitters, no conflicts (2 of 4 stars). 2 submissions from 2 submitters: Uncertain significance (2). Last evaluated 2026-06-17.

Conditions:
Familial cancer of breast. Also called: hereditary breast carcinoma; BREAST CANCER, FAMILIAL; Hereditary breast cancer. Identifiers: Orphanet 227535, MedGen C0346153, MONDO:0016419, OMIM 114480. Disease mechanism: loss of function.
Hereditary cancer-predisposing syndrome. Also called: Neoplastic Syndromes, Hereditary; Hereditary Cancer Syndrome; Hereditary neoplastic syndrome; Tumor predisposition. Identifiers: Orphanet 140162, MedGen C0027672, MeSH D009386, MONDO:0015356.

Submissions (2):

Ambry Genetics
Classification: Uncertain significance for Hereditary cancer-predisposing syndrome. Last evaluated: 2026-06-17. Review status: criteria provided, single submitter. Criteria: Ambry Variant Classification Scheme 2023. Collection method: clinical testing. Allele origin: germline.
Comment: The p.E64G variant (also known as c.191A>G), located in coding exon 1 of the CHEK2 gene, results from an A to G substitution at nucleotide position 191. The glutamic acid at codon 64 is replaced by glycine, an amino acid with similar properties. This amino acid position is not well conserved in available vertebrate species. In addition, this alteration is predicted to be tolerated by in silico analysis. Based on the available evidence, the clinical significance of this variant remains unclear.

Labcorp Genetics (formerly Invitae), Labcorp
Classification: Uncertain significance for Familial cancer of breast. Last evaluated: 2021-02-22. Review status: criteria provided, single submitter. Criteria: Invitae Variant Classification Sherloc (09022015). Collection method: clinical testing. Allele origin: germline.
Comment: This variant disrupts the p.Glu64 amino acid residue in CHEK2. Other variant(s) that disrupt this residue have been determined to be pathogenic (PMID: 27616075, 22114986, 27779110, 24082139, 12533788, 26681312, 28135145, 26845104). This suggests that this residue is clinically significant, and that variants that disrupt this residue are likely to be disease-causing. In summary, the available evidence is currently insufficient to determine the role of this variant in disease. Therefore, it has been classified as a Variant of Uncertain Significance. This sequence change replaces glutamic acid with glycine at codon 64 of the CHEK2 protein (p.Glu64Gly). The glutamic acid residue is moderately conserved and there is a moderate physicochemical difference between glutamic acid and glycine. This variant is not present in population databases (ExAC no frequency). This variant has not been reported in the literature in individuals with CHEK2-related conditions. Algorithms developed to predict the effect of missense changes on protein structure and function are either unavailable or do not agree on the potential impact of this missense change (SIFT: "Deleterious"; PolyPhen-2: "Benign"; Align-GVGD: "Class C15").

Literature cited by the submitters: PubMed 27616075 (cited by Labcorp Genetics (formerly Invitae), Labcorp); PubMed 22114986 (cited by Labcorp Genetics (formerly Invitae), Labcorp); PubMed 27779110 (cited by Labcorp Genetics (formerly Invitae), Labcorp); PubMed 24082139 (cited by Labcorp Genetics (formerly Invitae), Labcorp); PubMed 12533788 (cited by Labcorp Genetics (formerly Invitae), Labcorp); PubMed 26681312 (cited by Labcorp Genetics (formerly Invitae), Labcorp); PubMed 28135145 (cited by Labcorp Genetics (formerly Invitae), Labcorp); PubMed 26845104 (cited by Labcorp Genetics (formerly Invitae), Labcorp).

NM_007194.4(CHEK2):c.191A>G (p.Glu64Gly)

Gene: CHEK2 (checkpoint kinase 2; minus strand). Cytogenetic location: 22q12.1.
Variant type: single nucleotide variant.
Coding change: c.191A>G on transcript NM_007194.4 (MANE Select); coding-DNA position 191, A replaced by G.
Protein change: p.Glu64Gly; replaces glutamic acid 64 with glycine.
Molecular consequence: missense variant.
Genome position (GRCh38, 1-based): chr22:28,734,531, T>C on the plus strand (A>G on the coding strand, the complement: CHEK2 is on the minus strand). VCF-style: chr22-28734531-T-C. GRCh37 (hg19) VCF-style: chr22-29130519-T-C.
Other names: c.-587A>G (NM_001257387.3); c.191A>G, p.Glu64Gly (NM_001349956.3, NM_145862.3, NM_001005735.3); short protein forms E64G.
Identifiers: ClinVar variation 659407 (VCV000659407.10), dbSNP rs1601852334, ClinGen allele CA411090833.
Genomic context (GRCh38, chr22:28,734,531, plus strand): 5'-TCTTGGTCCTCAGGTTCTTGGTCCTCAGGAATAGAATAGAGTTCCTGAGTGGACACTGTC[T>C]CTAAGGAGCTCAGTGTCCCAGAGCTGGAGTGAGAGGACTGGCTGGAGTTTGGCATCGTGC-3'
Protein context (NP_009125.1, residues 54-74): HSSSGTLSSL[Glu64Gly]TVSTQELYSI